The following is an entry in ClinVar:

NM_012232.6(CAVIN1):c.*703T>A

Gene: CAVIN1 (caveolae associated protein 1; minus strand). Cytogenetic location: 17q21.2.
Variant type: single nucleotide variant.
Coding change: c.*703T>A on transcript NM_012232.6 (MANE Select); 703 bases downstream of the stop codon, T replaced by A.
Molecular consequence: 3 prime UTR variant.
Genome position (GRCh38, 1-based): chr17:42,403,984, A>T on the plus strand (T>A on the coding strand, the complement: CAVIN1 is on the minus strand). VCF-style: chr17-42403984-A-T. GRCh37 (hg19) VCF-style: chr17-40556002-A-T.
Identifiers: ClinVar variation 323269 (VCV000323269.6), dbSNP rs79683345, ClinGen allele CA10650149.

ClinVar aggregate classification (germline): Likely benign. Review status: criteria provided, multiple submitters, no conflicts (2 of 4 stars). 2 submissions from 2 submitters: Likely benign (2). Last evaluated 2017-04-27.

Conditions:
Congenital generalized lipodystrophy type 4. Also called: BERARDINELLI-SEIP CONGENITAL LIPODYSTROPHY, TYPE 4, WITH MUSCULAR DYSTROPHY. Identifiers: Orphanet 228429, MedGen C2750069, MONDO:0013225, OMIM 613327.

Allele frequency attached by ClinVar (database versions not stated): gnomAD 0.01201 and 0.01277; 1000 Genomes Project 0.01298; 1000 Genomes Project 30x 0.01405; TOPMed 0.01453.

Submissions (2):

Illumina Laboratory Services, Illumina
Classification: Likely benign for Congenital generalized lipodystrophy type 4. Last evaluated: 2017-04-27. Review status: criteria provided, single submitter. Criteria: ICSL Variant Classification Criteria 13 December 2019. Collection method: clinical testing. Allele origin: germline.
Comment: This variant was observed as part of a predisposition screen in an ostensibly healthy population. A literature search was performed for the gene, cDNA change, and amino acid change (where applicable). No publications were found based on this search. Allele frequency data from public databases allowed determination this variant is unlikely to cause disease. Therefore, this variant is classified as likely benign.

Breakthrough Genomics
Classification: Likely benign. Review status: criteria provided, single submitter. Criteria: ACMG Guidelines, 2015. Collection method: not provided. Allele origin: germline. Inheritance: Autosomal recessive inheritance. Affected: yes.